The following is an entry in ClinVar:

NM_001042492.3(NF1):c.4288A>G (p.Lys1430Glu)

Gene: NF1 (neurofibromin 1; plus strand). Cytogenetic location: 17q11.2.
Variant type: single nucleotide variant.
Coding change: c.4288A>G on transcript NM_001042492.3 (MANE Select); coding-DNA position 4288, A replaced by G.
Protein change: p.Lys1430Glu; replaces lysine 1430 with glutamic acid.
Molecular consequence: missense variant.
Genome position (GRCh38, 1-based): chr17:31,258,458, A>G. VCF-style: chr17-31258458-A-G. GRCh37 (hg19) VCF-style: chr17-29585476-A-G.
Other names: c.4225A>G, p.Lys1409Glu (NM_000267.4); short protein forms K1409E, K1430E.
Identifiers: ClinVar variation 1738855 (VCV001738855.2), dbSNP rs2151462099, ClinGen allele CA398998025.
Genomic context (GRCh38, chr17:31,258,458, plus strand): 5'-TTCCTCAGATTTATCAATCCTGCCATTGTCTCACCGTATGAAGCAGGGATTTTAGATAAA[A>G]AGCCACCACCTAGAATCGAAAGGGGCTTGAAGTTAATGTCAAAGGTGAATTATTTTGATA-3'
Protein context (NP_001035957.1, residues 1420-1440): SPYEAGILDK[Lys1430Glu]PPPRIERGLK

ClinVar aggregate classification (germline): Uncertain significance (1 of 4 stars; one submission).

Conditions:
Cardiovascular phenotype. Identifiers: MedGen CN230736.
Hereditary cancer-predisposing syndrome. Also called: Hereditary Cancer Syndrome; Hereditary neoplastic syndrome; Neoplastic Syndromes, Hereditary; Tumor predisposition. Identifiers: Orphanet 140162, MedGen C0027672, MeSH D009386, MONDO:0015356.

Submission:

Ambry Genetics
Classification: Uncertain significance for Cardiovascular phenotype; Hereditary cancer-predisposing syndrome. Last evaluated: 2021-11-22. Review status: criteria provided, single submitter. Criteria: Ambry Variant Classification Scheme 2023. Collection method: clinical testing. Allele origin: germline.
Comment: The p.K1409E variant (also known as c.4225A>G), located in coding exon 31 of the NF1 gene, results from an A to G substitution at nucleotide position 4225. The lysine at codon 1409 is replaced by glutamic acid, an amino acid with similar properties. This alteration was detected in an individual meeting clinical criteria for a diagnosis of neurofibromatosis type 1 (Thomas L et al. Hum Mutat, 2012 Dec;33:1687-96). This amino acid position is highly conserved in available vertebrate species. In addition, this alteration is predicted to be deleterious by in silico analysis. Since supporting evidence is limited at this time, the clinical significance of this alteration remains unclear.